The following is an entry in ClinVar:

NM_004667.6(HERC2):c.11545-6C>T

Gene: HERC2 (HECT and RLD domain containing E3 ubiquitin protein ligase 2; minus strand). Cytogenetic location: 15q13.1.
Variant type: single nucleotide variant.
Coding change: c.11545-6C>T on transcript NM_004667.6 (MANE Select); 6 bases into the intron before coding-DNA position 11545, C replaced by T.
Molecular consequence: intron variant.
Genome position (GRCh38, 1-based): chr15:28,142,399, G>A on the plus strand (C>T on the coding strand, the complement: HERC2 is on the minus strand). VCF-style: chr15-28142399-G-A. GRCh37 (hg19) VCF-style: chr15-28387545-G-A.
Identifiers: ClinVar variation 2277709 (VCV002277709.2), dbSNP rs2548866336, ClinGen allele CA2580089178.

ClinVar aggregate classification (germline): Uncertain significance (1 of 4 stars; one submission).

Conditions:
Inborn genetic diseases. Identifiers: MedGen C0950123, MeSH D030342.

Submission:

Ambry Genetics
Classification: Uncertain significance for Inborn genetic diseases. Last evaluated: 2022-03-25. Review status: criteria provided, single submitter. Criteria: Ambry Variant Classification Scheme 2023. Collection method: clinical testing. Allele origin: germline.
Comment: The c.11545-6C>T intronic alteration consists of a C to T substitution 6 nucleotides before coding exon 75 in the HERC2 gene. Based on insufficient or conflicting evidence, the clinical significance of this alteration remains unclear.